The following is an entry in ClinVar:

ClinVar aggregate classification (germline): Uncertain significance. Review status: criteria provided, multiple submitters, no conflicts (2 of 4 stars). 4 submissions from 4 submitters: Uncertain significance (3). 1 of the submissions does not count toward it. Last evaluated 2025-08-06.

Conditions:
Glycine encephalopathy. Also called: Nonketotic hyperglycinemia; Non-ketotic hyperglycinemia. Identifiers: Orphanet 407, MedGen C0751748, MONDO:0011612, HP:0008288.
Inborn genetic diseases. Identifiers: MedGen C0950123, MeSH D030342.

Allele frequency attached by ClinVar (database versions not stated): gnomAD exomes below 0.00001; TOPMed below 0.00001.
gnomAD v4.1: 1 of 1,591,878 alleles (0.000063%); highest among the groups gnomAD compares: Admixed American, 0.0017%; no homozygotes.

Submissions (4):

Labcorp Genetics (formerly Invitae), Labcorp
Classification: Uncertain significance for Glycine encephalopathy. Last evaluated: 2025-08-06. Review status: criteria provided, single submitter. Criteria: Invitae Variant Classification Sherloc (09022015). Collection method: clinical testing. Allele origin: germline.
Comment: This sequence change replaces lysine, which is basic and polar, with glutamic acid, which is acidic and polar, at codon 215 of the GLDC protein (p.Lys215Glu). This variant is not present in population databases (gnomAD no frequency). This variant has not been reported in the literature in individuals affected with GLDC-related conditions. ClinVar contains an entry for this variant (Variation ID: 1059059). Invitae Evidence Modeling of protein sequence and biophysical properties (such as structural, functional, and spatial information, amino acid conservation, physicochemical variation, residue mobility, and thermodynamic stability) has been performed for this missense variant. However, the output from this modeling did not meet the statistical confidence thresholds required to predict the impact of this variant on GLDC protein function. In summary, the available evidence is currently insufficient to determine the role of this variant in disease. Therefore, it has been classified as a Variant of Uncertain Significance.

GeneDx
Classification: Uncertain significance. Last evaluated: 2024-05-02. Review status: criteria provided, single submitter. Criteria: GeneDx Variant Classification Process June 2021. Collection method: clinical testing. Allele origin: germline. Affected: yes.
Comment: Not observed at significant frequency in large population cohorts (gnomAD); In silico analysis supports that this missense variant has a deleterious effect on protein structure/function; Has not been previously published as pathogenic or benign to our knowledge

Ambry Genetics
Classification: Uncertain significance for Inborn genetic diseases. Last evaluated: 2021-03-30. Review status: criteria provided, single submitter. Criteria: Ambry Variant Classification Scheme 2023. Collection method: clinical testing. Allele origin: germline.

Natera, Inc.
Classification: Uncertain significance for Non-ketotic hyperglycinemia. Last evaluated: 2021-09-27. Review status: no assertion criteria provided. Collection method: clinical testing. Allele origin: germline. Not counted in ClinVar's aggregate classification.

NM_000170.3(GLDC):c.643A>G (p.Lys215Glu)

Gene: GLDC (glycine decarboxylase; minus strand). Cytogenetic location: 9p24.1.
Variant type: single nucleotide variant.
Coding change: c.643A>G on transcript NM_000170.3 (MANE Select); coding-DNA position 643, A replaced by G.
Protein change: p.Lys215Glu; replaces lysine 215 with glutamic acid.
Molecular consequence: missense variant.
Genome position (GRCh38, 1-based): chr9:6,606,662, T>C on the plus strand (A>G on the coding strand, the complement: GLDC is on the minus strand). VCF-style: chr9-6606662-T-C. GRCh37 (hg19) VCF-style: chr9-6606662-T-C.
Other names: c.643A>G (NM_000170.2); short protein forms K215E.
Identifiers: ClinVar variation 1059059 (VCV001059059.11), dbSNP rs907616957, ClinGen allele CA188687341.